The following is an entry in ClinVar:

ClinVar aggregate classification (germline): Uncertain significance (1 of 4 stars; one submission).

Conditions:
PMM2-congenital disorder of glycosylation. Also called: CARBOHYDRATE-DEFICIENT GLYCOPROTEIN SYNDROME, TYPE Ia; CDG Ia; JAEKEN SYNDROME; PMM2-CDG; Congenital disorder of glycosylation, type Ia; PHOSPHOMANNOMUTASE 2 DEFICIENCY. Identifiers: Orphanet 79318, MedGen C0349653, MONDO:0008907, OMIM 212065.

Submission:

Labcorp Genetics (formerly Invitae), Labcorp
Classification: Uncertain significance for PMM2-congenital disorder of glycosylation. Last evaluated: 2022-07-15. Review status: criteria provided, single submitter. Criteria: Invitae Variant Classification Sherloc (09022015). Collection method: clinical testing. Allele origin: germline.
Comment: This sequence change replaces proline, which is neutral and non-polar, with leucine, which is neutral and non-polar, at codon 234 of the PMM2 protein (p.Pro234Leu). This variant is not present in population databases (gnomAD no frequency). This variant has not been reported in the literature in individuals affected with PMM2-related conditions. Algorithms developed to predict the effect of missense changes on protein structure and function (SIFT, PolyPhen-2, Align-GVGD) all suggest that this variant is likely to be disruptive. In summary, the available evidence is currently insufficient to determine the role of this variant in disease. Therefore, it has been classified as a Variant of Uncertain Significance.

NM_000303.3(PMM2):c.701C>T (p.Pro234Leu)

Gene: PMM2 (phosphomannomutase 2; plus strand). Cytogenetic location: 16p13.2.
Variant type: single nucleotide variant.
Coding change: c.701C>T on transcript NM_000303.3 (MANE Select); coding-DNA position 701, C replaced by T.
Protein change: p.Pro234Leu; replaces proline 234 with leucine.
Molecular consequence: missense variant.
Genome position (GRCh38, 1-based): chr16:8,847,785, C>T. VCF-style: chr16-8847785-C-T. GRCh37 (hg19) VCF-style: chr16-8941642-C-T.
Other names: short protein forms P234L.
Identifiers: ClinVar variation 1973030 (VCV001973030.5), dbSNP rs2060937625, ClinGen allele CA394689638.